The following is an entry in ClinVar:

ClinVar aggregate classification (germline): Uncertain significance (1 of 4 stars; one submission).

Conditions:
Hereditary nonpolyposis colorectal neoplasms. Identifiers: MedGen C0009405, MeSH D003123.

Submission:

Labcorp Genetics (formerly Invitae), Labcorp
Classification: Uncertain significance for Hereditary nonpolyposis colorectal neoplasms. Last evaluated: 2024-12-06. Review status: criteria provided, single submitter. Criteria: Invitae Variant Classification Sherloc (09022015). Collection method: clinical testing. Allele origin: germline.
Comment: This sequence change replaces glutamine, which is neutral and polar, with glutamic acid, which is acidic and polar, at codon 100 of the PMS2 protein (p.Gln100Glu). This variant is not present in population databases (gnomAD no frequency). This variant has not been reported in the literature in individuals affected with PMS2-related conditions. ClinVar contains an entry for this variant (Variation ID: 525770). Invitae Evidence Modeling incorporating data from in vitro experimental studies (internal data) indicates that this missense variant is not expected to disrupt PMS2 function with a negative predictive value of 95%. In summary, the available evidence is currently insufficient to determine the role of this variant in disease. Therefore, it has been classified as a Variant of Uncertain Significance.

NM_000535.7(PMS2):c.298C>G (p.Gln100Glu)

Gene: PMS2 (PMS1 homolog 2, mismatch repair system component; minus strand). Cytogenetic location: 7p22.1.
Variant type: single nucleotide variant.
Coding change: c.298C>G on transcript NM_000535.7 (MANE Select); coding-DNA position 298, C replaced by G.
Protein change: p.Gln100Glu; replaces glutamine 100 with glutamic acid.
Molecular consequence: missense variant. On other transcripts: 5 prime UTR variant (9), non-coding transcript variant (1), intron variant (2).
Genome position (GRCh38, 1-based): chr7:6,003,745, G>C on the plus strand (C>G on the coding strand, the complement: PMS2 is on the minus strand). VCF-style: chr7-6003745-G-C. GRCh37 (hg19) VCF-style: chr7-6043376-G-C.
Other names: c.-108C>G (NM_001322003.2, NM_001322004.2, NM_001322005.2 and 3 more transcripts); c.298C>G, p.Gln100Glu (NM_001322006.2, NM_001322014.2); c.-587C>G (NM_001322011.2, NM_001322012.2); c.-187C>G (NM_001322015.2); c.35+227C>G (NM_001322008.2, NM_001322007.2); short protein forms Q100E.
Identifiers: ClinVar variation 525770 (VCV000525770.8), dbSNP rs1554304696, ClinGen allele CA366744632.